The following is an entry in ClinVar:

NM_005744.5(ARIH1):c.191G>C (p.Gly64Ala)

Gene: ARIH1 (ariadne RBR E3 ubiquitin protein ligase 1; plus strand). Cytogenetic location: 15q24.1.
Variant type: single nucleotide variant.
Coding change: c.191G>C on transcript NM_005744.5 (MANE Select); coding-DNA position 191, G replaced by C.
Protein change: p.Gly64Ala; replaces glycine 64 with alanine.
Molecular consequence: missense variant.
Genome position (GRCh38, 1-based): chr15:72,474,830, G>C. VCF-style: chr15-72474830-G-C. GRCh37 (hg19) VCF-style: chr15-72767171-G-C.
Other names: short protein forms G64A.
Identifiers: ClinVar variation 2875606 (VCV002875606.3), dbSNP rs2542669567, ClinGen allele CA393236946.
Genomic context (GRCh38, chr15:72,474,830, plus strand): 5'-AGGTGGAGCTGGTGGAGCCCGGGCTGGGCGTCGGCGGGGAGCGGGACGGACTGCTGTGCG[G>C]GGAGACGGGCGGTGGCGGCGGCAGCGCTCTGGGGCCCGGCGGTGGCGGCGGCGGCGGCGG-3'
Protein context (NP_005735.2, residues 54-74): VGGERDGLLC[Gly64Ala]ETGGGGGSAL

ClinVar aggregate classification (germline): Uncertain significance (1 of 4 stars; one submission).

Submission:

Labcorp Genetics (formerly Invitae), Labcorp
Classification: Uncertain significance. Last evaluated: 2023-11-18. Review status: criteria provided, single submitter. Criteria: Invitae Variant Classification Sherloc (09022015). Collection method: clinical testing. Allele origin: germline.
Comment: This sequence change replaces glycine, which is neutral and non-polar, with alanine, which is neutral and non-polar, at codon 64 of the ARIH1 protein (p.Gly64Ala). This variant is not present in population databases (gnomAD no frequency). This variant has not been reported in the literature in individuals affected with ARIH1-related conditions. Experimental studies and prediction algorithms are not available or were not evaluated, and the functional significance of this variant is currently unknown. In summary, the available evidence is currently insufficient to determine the role of this variant in disease. Therefore, it has been classified as a Variant of Uncertain Significance.